The following is an entry in ClinVar:

NM_000081.4(LYST):c.9040A>G (p.Ile3014Val)

Gene: LYST (lysosomal trafficking regulator; minus strand). Cytogenetic location: 1q42.3.
Variant type: single nucleotide variant.
Coding change: c.9040A>G on transcript NM_000081.4 (MANE Select); coding-DNA position 9040, A replaced by G.
Protein change: p.Ile3014Val; replaces isoleucine 3014 with valine.
Molecular consequence: missense variant.
Genome position (GRCh38, 1-based): chr1:235,730,851, T>C on the plus strand (A>G on the coding strand, the complement: LYST is on the minus strand). VCF-style: chr1-235730851-T-C. GRCh37 (hg19) VCF-style: chr1-235894151-T-C.
Other names: c.9040A>G, p.Ile3014Val (NM_001301365.1); short protein forms I3014V.
Identifiers: ClinVar variation 1004925 (VCV001004925.3), dbSNP rs750729884, ClinGen allele CA1465701.

ClinVar aggregate classification (germline): Uncertain significance (1 of 4 stars; one submission).

Conditions:
Chédiak-Higashi syndrome (CHS). Also called: Chediak-Higashi Syndrome. Identifiers: Orphanet 167, MedGen C0007965, MONDO:0008963, OMIM 214500.

Allele frequency attached by ClinVar (database versions not stated): gnomAD exomes 0.00003; TOPMed 0.00003; ExAC 0.00003; gnomAD 0.00005.
gnomAD v4.1: 53 of 1,593,250 alleles (0.0033%); highest among the groups gnomAD compares: Non-Finnish European, 0.004%; no homozygotes.

Submission:

Labcorp Genetics (formerly Invitae), Labcorp
Classification: Uncertain significance for Chédiak-Higashi syndrome. Last evaluated: 2024-10-16. Review status: criteria provided, single submitter. Criteria: Invitae Variant Classification Sherloc (09022015). Collection method: clinical testing. Allele origin: germline.
Comment: This sequence change replaces isoleucine, which is neutral and non-polar, with valine, which is neutral and non-polar, at codon 3014 of the LYST protein (p.Ile3014Val). This variant is present in population databases (rs750729884, gnomAD 0.007%). This variant has not been reported in the literature in individuals affected with LYST-related conditions. ClinVar contains an entry for this variant (Variation ID: 1004925). Invitae Evidence Modeling of protein sequence and biophysical properties (such as structural, functional, and spatial information, amino acid conservation, physicochemical variation, residue mobility, and thermodynamic stability) indicates that this missense variant is not expected to disrupt LYST protein function with a negative predictive value of 80%. In summary, the available evidence is currently insufficient to determine the role of this variant in disease. Therefore, it has been classified as a Variant of Uncertain Significance.